The following is an entry in ClinVar:

ClinVar aggregate classification (germline): Likely benign (1 of 4 stars; one submission).

gnomAD v4.1: 139 of 1,614,032 alleles (0.0086%); highest among the groups gnomAD compares: Non-Finnish European, 0.011%; no homozygotes.

Submission:

CeGaT Center for Human Genetics Tuebingen
Classification: Likely benign. Last evaluated: 2024-07-01. Review status: criteria provided, single submitter. Criteria: CeGaT Center For Human Genetics Tuebingen Variant Classification Criteria Version 2. Collection method: clinical testing. Allele origin: germline. Affected: yes. Observed: 1 variant allele.
Comment: LTBP1: BP4, BP7

NM_206943.4(LTBP1):c.921C>T (p.Tyr307=)

Gene: LTBP1 (latent transforming growth factor beta binding protein 1; plus strand). Cytogenetic location: 2p22.3.
Variant type: single nucleotide variant.
Coding change: c.921C>T on transcript NM_206943.4 (MANE Select); coding-DNA position 921, C replaced by T.
Protein change: p.Tyr307=; no amino-acid change (tyrosine 307 retained).
Molecular consequence: synonymous variant.
Genome position (GRCh38, 1-based): chr2:33,110,639, C>T. VCF-style: chr2-33110639-C-T. GRCh37 (hg19) VCF-style: chr2-33335706-C-T.
Other names: c.921C>T, p.Tyr307= (NM_001394905.1).
Identifiers: ClinVar variation 3256955 (VCV003256955.17).